The following is an entry in ClinVar:

NM_022041.4(GAN):c.1382C>T (p.Ala461Val)

Gene: GAN (gigaxonin; plus strand). Cytogenetic location: 16q23.2.
Variant type: single nucleotide variant.
Coding change: c.1382C>T on transcript NM_022041.4 (MANE Select); coding-DNA position 1382, C replaced by T.
Protein change: p.Ala461Val; replaces alanine 461 with valine.
Molecular consequence: missense variant.
Genome position (GRCh38, 1-based): chr16:81,365,358, C>T. VCF-style: chr16-81365358-C-T. GRCh37 (hg19) VCF-style: chr16-81398963-C-T.
Other names: c.743C>T, p.Ala248Val (NM_001377486.1); short protein forms A248V, A461V.
Identifiers: ClinVar variation 1043475 (VCV001043475.8), dbSNP rs753748994, ClinGen allele CA8191752.

ClinVar aggregate classification (germline): Uncertain significance (1 of 4 stars; one submission).

Conditions:
Giant axonal neuropathy 1 (GAN1). Also called: GIANT AXONAL NEUROPATHY 1, AUTOSOMAL RECESSIVE; GAN-Related Neurodegeneration. Identifiers: Orphanet 643, MedGen C1850386, MONDO:0009749, OMIM 256850.

Allele frequency attached by ClinVar (database versions not stated): TOPMed 0.00002; ExAC 0.00001; gnomAD 0.00001; gnomAD exomes below 0.00001.
gnomAD v4.1: 7 of 1,613,382 alleles (0.00043%); highest among the groups gnomAD compares: East Asian, 0.0022%; no homozygotes.

Submission:

Labcorp Genetics (formerly Invitae), Labcorp
Classification: Uncertain significance for Giant axonal neuropathy 1. Last evaluated: 2022-10-13. Review status: criteria provided, single submitter. Criteria: Invitae Variant Classification Sherloc (09022015). Collection method: clinical testing. Allele origin: germline.
Comment: In summary, the available evidence is currently insufficient to determine the role of this variant in disease. Therefore, it has been classified as a Variant of Uncertain Significance. Advanced modeling of protein sequence and biophysical properties (such as structural, functional, and spatial information, amino acid conservation, physicochemical variation, residue mobility, and thermodynamic stability) performed at Invitae indicates that this missense variant is not expected to disrupt GAN protein function. ClinVar contains an entry for this variant (Variation ID: 1043475). This missense change has been observed in individual(s) with giant axonal neuropathy (PMID: 29876741). This variant is present in population databases (rs753748994, gnomAD 0.007%). This sequence change replaces alanine, which is neutral and non-polar, with valine, which is neutral and non-polar, at codon 461 of the GAN protein (p.Ala461Val).

Literature cited by the submitters: PubMed 29876741.